The following is an entry in ClinVar:

ClinVar aggregate classification (germline): Uncertain significance (1 of 4 stars; one submission).

Conditions:
Immunodeficiency, common variable, 4. Also called: ANTIBODY DEFICIENCY DUE TO BAFFR DEFECT. Identifiers: Orphanet 1572, Orphanet 696925, MedGen C3150739, MONDO:0013284, OMIM 613494.

Submission:

Labcorp Genetics (formerly Invitae), Labcorp
Classification: Uncertain significance for Immunodeficiency, common variable, 4. Last evaluated: 2026-01-21. Review status: criteria provided, single submitter. Criteria: Invitae Variant Classification Sherloc (09022015). Collection method: clinical testing. Allele origin: germline.
Comment: This sequence change replaces arginine, which is basic and polar, with glutamine, which is neutral and polar, at codon 103 of the TNFRSF13C protein (p.Arg103Gln). This variant is not present in population databases (gnomAD no frequency). This variant has not been reported in the literature in individuals affected with TNFRSF13C-related conditions. An algorithm developed to predict the effect of missense changes on protein structure and function (PolyPhen-2) suggests that this variant is likely to be tolerated. In summary, the available evidence is currently insufficient to determine the role of this variant in disease. Therefore, it has been classified as a Variant of Uncertain Significance.

NM_052945.4(TNFRSF13C):c.308G>A (p.Arg103Gln)

Genes: TNFRSF13C (TNF receptor superfamily member 13C; minus strand), LOC130067574 (ATAC-STARR-seq lymphoblastoid silent region 13813; plus strand). Cytogenetic location: 22q13.2.
Variant type: single nucleotide variant.
Coding change: c.308G>A on transcript NM_052945.4 (MANE Select); coding-DNA position 308, G replaced by A.
Protein change: p.Arg103Gln; replaces arginine 103 with glutamine.
Molecular consequence: missense variant.
Genome position (GRCh38, 1-based): chr22:41,926,160, C>T on the plus strand (G>A on the coding strand, the complement: TNFRSF13C is on the minus strand). VCF-style: chr22-41926160-C-T. GRCh37 (hg19) VCF-style: chr22-42322164-C-T.
Other names: short protein forms R103Q.
Identifiers: ClinVar variation 4769971 (VCV004769971.1).